The following is an entry in ClinVar:

NM_004370.6(COL12A1):c.1287G>A (p.Val429=)

Gene: COL12A1 (collagen type XII alpha 1 chain; minus strand). Cytogenetic location: 6q13.
Variant type: single nucleotide variant.
Coding change: c.1287G>A on transcript NM_004370.6 (MANE Select); coding-DNA position 1287, G replaced by A.
Protein change: p.Val429=; no amino-acid change (valine 429 retained).
Molecular consequence: synonymous variant. On other transcripts: intron variant (2).
Genome position (GRCh38, 1-based): chr6:75,183,855, C>T on the plus strand (G>A on the coding strand, the complement: COL12A1 is on the minus strand). VCF-style: chr6-75183855-C-T. GRCh37 (hg19) VCF-style: chr6-75893571-C-T.
Other names: c.1287G>A, p.Val429= (NM_001424113.1, NM_001424114.1, NM_001424115.1); c.73+18865G>A (NM_001424116.1, NM_080645.3).
Identifiers: ClinVar variation 4536666 (VCV004536666.1).
Genomic context (GRCh38, chr6:75,183,855, plus strand): 5'-GCATTCTGTCAAACAGATCTTCACATATTCCAAATACAATGATGCACACATTGACTTACC[C>T]ACTTGAACTTTCATTGGCTGAGTCTTCTCCATTATTGAAATGGGTTCACTGGATGTCATT-3'
Protein context (NP_004361.3, residues 419-439): MEKTQPMKVQ[Val429=]ECSRGVDIKA

ClinVar aggregate classification (germline): Uncertain significance (1 of 4 stars; one submission).

Submission:

Women's Health and Genetics/Laboratory Corporation of America, LabCorp
Classification: Uncertain significance. Last evaluated: 2025-11-28. Review status: criteria provided, single submitter. Criteria: LabCorp Variant Classification Summary - May 2015. Collection method: clinical testing. Allele origin: germline.
Comment: Variant summary: COL12A1 c.1287G>A (p.Val429Val) alters a conserved nucleotide located close to a canonical splice site and therefore could affect mRNA splicing, leading to a significantly altered protein sequence. Several computational tools predict a significant impact on normal splicing: Two predict the variant creates a 5' donor site. One predict the variant strengthens a 5' donor site. However, these predictions have yet to be confirmed by functional studies. The variant was absent in 247642 control chromosomes. The available data on variant occurrences in the general population are insufficient to allow any conclusion about variant significance. To our knowledge, no occurrence of c.1287G>A in individuals affected with COL12A1-related conditions and no experimental evidence demonstrating its impact on protein function have been reported. No submitters have cited clinical-significance assessments for this variant to ClinVar. Based on the evidence outlined above, the variant was classified as uncertain significance.